The following is an entry in ClinVar:

NC_000011.9:g.(?_4076736)_(4076887_?)del

Gene: STIM1 (stromal interaction molecule 1; plus strand). Cytogenetic location: 11p15.4.
Variant type: Deletion.
Identifiers: ClinVar variation 1459002 (VCV001459002.5).

ClinVar aggregate classification (germline): Pathogenic (1 of 4 stars; one submission).

Conditions:
Stormorken syndrome (STRMK). Also called: THROMBOCYTOPATHY, ASPLENIA, AND MIOSIS. Identifiers: Orphanet 3204, MedGen C1861451, MONDO:0008497, OMIM 185070.
Myopathy with tubular aggregates (TAM). Also called: Tubular Aggregate Myopathy. Identifiers: Orphanet 2593, MedGen C0410207, MONDO:0008051.
Combined immunodeficiency due to STIM1 deficiency. Also called: STIM1 DEFICIENCY; IMMUNODEFICIENCY 10. Identifiers: Orphanet 169090, Orphanet 317430, MedGen C2748557, MONDO:0013008, OMIM 612783.

Submission:

Labcorp Genetics (formerly Invitae), Labcorp
Classification: Pathogenic for Myopathy with tubular aggregates; Combined immunodeficiency due to STIM1 deficiency; Stormorken syndrome. Last evaluated: 2023-02-09. Review status: criteria provided, single submitter. Criteria: Invitae Variant Classification Sherloc (09022015). Collection method: clinical testing. Allele origin: germline.
Comment: For these reasons, this variant has been classified as Pathogenic. This variant has not been reported in the literature in individuals affected with STIM1-related conditions. This variant is a gross deletion of the genomic region encompassing exon(s) 4 of the STIM1 gene. This deletion is out-of-frame, and is expected to create a premature termination codon and result in an absent or disrupted protein product. Loss-of-function variants in STIM1 are known to be pathogenic (PMID: 19420366, 20876309).

Literature cited by the submitters: PubMed 19420366; PubMed 20876309.